The following is an entry in ClinVar:

ClinVar aggregate classification (germline): Uncertain significance (1 of 4 stars; one submission).

gnomAD v4.1: 21 of 1,595,826 alleles (0.0013%); highest among the groups gnomAD compares: Admixed American, 0.0033%; no homozygotes.

Submission:

Labcorp Genetics (formerly Invitae), Labcorp
Classification: Uncertain significance. Last evaluated: 2025-03-11. Review status: criteria provided, single submitter. Criteria: Invitae Variant Classification Sherloc (09022015). Collection method: clinical testing. Allele origin: germline.
Comment: This sequence change replaces glutamic acid, which is acidic and polar, with lysine, which is basic and polar, at codon 621 of the JAK2 protein (p.Glu621Lys). This variant is present in population databases (no rsID available, gnomAD 0.003%). This variant has not been reported in the literature in individuals affected with JAK2-related conditions. Invitae Evidence Modeling of protein sequence and biophysical properties (such as structural, functional, and spatial information, amino acid conservation, physicochemical variation, residue mobility, and thermodynamic stability) indicates that this missense variant is not expected to disrupt JAK2 protein function with a negative predictive value of 80%. In summary, the available evidence is currently insufficient to determine the role of this variant in disease. Therefore, it has been classified as a Variant of Uncertain Significance.

NM_004972.4(JAK2):c.1861G>A (p.Glu621Lys)

Genes: INSL6 (insulin like 6; minus strand), JAK2 (Janus kinase 2; plus strand). Cytogenetic location: 9p24.1.
Variant type: single nucleotide variant.
Coding change: c.1861G>A on transcript NM_004972.4 (MANE Select); coding-DNA position 1861, G replaced by A.
Protein change: p.Glu621Lys; replaces glutamic acid 621 with lysine.
Molecular consequence: missense variant. On other transcripts: non-coding transcript variant (2).
Genome position (GRCh38, 1-based): chr9:5,073,782, G>A. VCF-style: chr9-5073782-G-A. GRCh37 (hg19) VCF-style: chr9-5073782-G-A.
Other names: c.1861G>A, p.Glu621Lys (NM_001322194.2, NM_001322195.2, NM_001322196.2); c.646G>A, p.Glu216Lys (NM_001322198.2, NM_001322199.2); c.1414G>A, p.Glu472Lys (NM_001322204.2); short protein forms E216K, E621K, E472K.
Identifiers: ClinVar variation 4696349 (VCV004696349.1).